The following is an entry in ClinVar:

NM_003673.4(TCAP):c.148A>G (p.Thr50Ala)

Gene: TCAP (titin-cap; plus strand). Cytogenetic location: 17q12.
Variant type: single nucleotide variant.
Coding change: c.148A>G on transcript NM_003673.4 (MANE Select); coding-DNA position 148, A replaced by G.
Protein change: p.Thr50Ala; replaces threonine 50 with alanine.
Molecular consequence: missense variant.
Genome position (GRCh38, 1-based): chr17:39,665,753, A>G. VCF-style: chr17-39665753-A-G. GRCh37 (hg19) VCF-style: chr17-37822006-A-G.
Other names: short protein forms T50A.
Identifiers: ClinVar variation 841492 (VCV000841492.10), dbSNP rs2057250048, ClinGen allele CA399303692.

ClinVar aggregate classification (germline): Uncertain significance (1 of 4 stars; one submission).

Conditions:
Primary familial hypertrophic cardiomyopathy (HCM). Identifiers: Orphanet 99739, MedGen C0949658, MeSH D024741, MONDO:0024573. Inheritance: Various modes of inheritance.
Hypertrophic cardiomyopathy 25 (CMH25). Also called: CARDIOMYOPATHY, FAMILIAL HYPERTROPHIC, 25. Identifiers: MedGen C4225408, MONDO:0011843, OMIM 607487.

Allele frequency attached by ClinVar (database versions not stated): gnomAD exomes 0.00001.
gnomAD v4.1: 4 of 1,610,752 alleles (0.00025%); highest among the groups gnomAD compares: South Asian, 0.0011%; no homozygotes.

Submission:

Labcorp Genetics (formerly Invitae), Labcorp
Classification: Uncertain significance for Hypertrophic cardiomyopathy 25; Primary familial hypertrophic cardiomyopathy. Last evaluated: 2025-12-31. Review status: criteria provided, single submitter. Criteria: Invitae Variant Classification Sherloc (09022015). Collection method: clinical testing. Allele origin: germline.
Comment: This sequence change replaces threonine, which is neutral and polar, with alanine, which is neutral and non-polar, at codon 50 of the TCAP protein (p.Thr50Ala). This variant is not present in population databases (gnomAD no frequency). This variant has not been reported in the literature in individuals affected with TCAP-related conditions. ClinVar contains an entry for this variant (Variation ID: 841492). An algorithm developed to predict the effect of missense changes on protein structure and function (PolyPhen-2) suggests that this variant is likely to be tolerated. In summary, the available evidence is currently insufficient to determine the role of this variant in disease. Therefore, it has been classified as a Variant of Uncertain Significance.